The following is an entry in ClinVar:

ClinVar aggregate classification (germline): Likely benign (0 of 4 stars; one submission).

Conditions:
HUWE1-related disorder. Also called: HUWE1-related condition.

gnomAD v4.1: 7 of 1,210,058 alleles (0.00058%); highest among the groups gnomAD compares: Non-Finnish European, 0.00078%; no homozygotes.

Submission:

PreventionGenetics, part of Exact Sciences
Classification: Likely benign for HUWE1-related condition. Last evaluated: 2024-08-26. Review status: no assertion criteria provided. Collection method: clinical testing. Allele origin: germline.
Comment: This variant is classified as likely benign based on ACMG/AMP sequence variant interpretation guidelines (Richards et al. 2015 PMID: 25741868, with internal and published modifications).

NM_031407.7(HUWE1):c.9385+5A>G

Gene: HUWE1 (HECT, UBA and WWE domain containing E3 ubiquitin protein ligase 1; minus strand). Cytogenetic location: Xp11.22.
Variant type: single nucleotide variant.
Coding change: c.9385+5A>G on transcript NM_031407.7 (MANE Select); 5 bases into the intron after coding-DNA position 9385, A replaced by G.
Molecular consequence: intron variant.
Genome position (GRCh38, 1-based): chrX:53,550,896, T>C on the plus strand (A>G on the coding strand, the complement: HUWE1 is on the minus strand). VCF-style: chrX-53550896-T-C. GRCh37 (hg19) VCF-style: chrX-53577857-T-C.
Identifiers: ClinVar variation 3352811 (VCV003352811.1).